The following is an entry in ClinVar:

ClinVar aggregate classification (germline): Pathogenic/Likely pathogenic. Review status: criteria provided, multiple submitters, no conflicts (2 of 4 stars). 2 submissions from 2 submitters: Pathogenic (1); Likely pathogenic (1). Last evaluated 2025-12-17.

Conditions:
Sandhoff disease. Also called: GM2-GANGLIOSIDOSIS, TYPE II; HEXOSAMINIDASES A AND B DEFICIENCY; Beta-hexosaminidase-beta-subunit deficiency; GM2 gangliosidosis, type 2; Total hexosaminidase deficiency; Sandhoff-Jatzkewitz-Pilz disease. Identifiers: Orphanet 796, MedGen C0036161, MONDO:0010006, OMIM 268800.

Submissions (2):

Natera, Inc.
Classification: Likely pathogenic for Sandhoff disease. Last evaluated: 2025-12-17. Review status: criteria provided, single submitter. Criteria: Natera Variant Classification Schema (03/2026). Collection method: clinical testing. Allele origin: germline.
Comment: The c.1146del variant in HEXB is a frameshift variant predicted to shift the reading frame beginning at codon 382 and leads to a stop codon 2 codons downstream. This variant is expected to result in nonsense mediated decay, truncation, or a dysfunctional protein product. This variant is rare in the general population with a frequency below the threshold expected for the associated phenotype(s). Given the available evidence, this variant is classified as Likely Pathogenic.

Myriad Genetics, Inc.
Classification: Pathogenic for Sandhoff disease. Last evaluated: 2024-01-25. Review status: criteria provided, single submitter. Criteria: Myriad Autosomal Dominant, Autosomal Recessive and X-Linked Classification Criteria (2023). Collection method: clinical testing. Allele origin: unknown.
Comment: NM_000521.3(HEXB):c.1146delA(K382Nfs*2) is expected to be pathogenic in the context of Sandhoff disease. This variant is predicted to lead to an abnormal or absent protein product due to the creation of a premature termination codon in HEXB, a gene where loss-of-function variants are known to be pathogenic. Please note: this variant was assessed in the context of healthy population screening.

NM_000521.4(HEXB):c.1146del (p.Lys382fs)

Gene: HEXB (hexosaminidase subunit beta; plus strand). Cytogenetic location: 5q13.3.
Variant type: Deletion.
Coding change: c.1146del on transcript NM_000521.4 (MANE Select); coding-DNA position 1146, one base deleted (A; older notation c.1146delA).
Protein change: p.Lys382fs; shifts the reading frame from lysine 382.
Molecular consequence: frameshift variant.
Genome position (GRCh38, 1-based): chr5:74,716,650, A deleted; the last of 3 consecutive A bases (chr5:74,716,648-74,716,650); deleting any one gives the same sequence. VCF-style (leftmost placement, unchanged base first): chr5-74716647-GA-G. GRCh37 (hg19) VCF-style: chr5-74012472-GA-G.
Other names: c.471del, p.Lys157fs (NM_001292004.2); short protein forms K157fs, K382fs.
Identifiers: ClinVar variation 4814280 (VCV004814280.2).